The following is an entry in ClinVar:

NM_018051.5(DYNC2I1):c.2825C>T (p.Ala942Val)

Gene: DYNC2I1 (dynein 2 intermediate chain 1; plus strand). Cytogenetic location: 7q36.3.
Variant type: single nucleotide variant.
Coding change: c.2825C>T on transcript NM_018051.5 (MANE Select); coding-DNA position 2825, C replaced by T.
Protein change: p.Ala942Val; replaces alanine 942 with valine.
Molecular consequence: missense variant.
Genome position (GRCh38, 1-based): chr7:158,941,971, C>T. VCF-style: chr7-158941971-C-T. GRCh37 (hg19) VCF-style: chr7-158734662-C-T.
Other names: c.2687C>T, p.Ala896Val (NM_001350914.2); c.2252C>T, p.Ala751Val (NM_001350915.2); c.1364C>T, p.Ala455Val (NM_001350916.2); c.1577C>T, p.Ala526Val (NM_001350917.2, NM_001350918.2); c.2825C>T (NM_018051.4); short protein forms A455V, A526V, A751V, A896V, A942V.
Identifiers: ClinVar variation 1680727 (VCV001680727.6), dbSNP rs371334329, ClinGen allele CA4595108.
Genomic context (GRCh38, chr7:158,941,971, plus strand): 5'-CTTCCTGGTCATAGGCCGGCTGTTCGGACGGAAGCATCAGGCTGCACCAGCTGAGCTCCG[C>T]GTTTCCGCTCCTGCAGTGGGACAGCAGCACGGACAGCCATGCGGTCACCGGCCTGCAGTG-3'
Protein context (NP_060521.4, residues 932-952): GSIRLHQLSS[Ala942Val]FPLLQWDSST

ClinVar aggregate classification (germline): Uncertain significance. Review status: criteria provided, multiple submitters, no conflicts (2 of 4 stars). 2 submissions from 2 submitters: Uncertain significance (2). Last evaluated 2025-05-19.

Conditions:
Short-rib thoracic dysplasia 8 with or without polydactyly (SRTD8). Also called: SHORT-RIB THORACIC DYSPLASIA 8 WITH POLYDACTYLY. Identifiers: Orphanet 93271, MedGen C3809691, MONDO:0014214, OMIM 615503.
Inborn genetic diseases. Identifiers: MedGen C0950123, MeSH D030342.

Allele frequency attached by ClinVar (database versions not stated): ExAC 0.00005; gnomAD exomes 0.00007 and 0.00023; TOPMed 0.00009; gnomAD 0.00011; ESP Exome Variant Server 0.00008.
gnomAD v4.1: 339 of 1,612,378 alleles (0.021%); highest among the groups gnomAD compares: Non-Finnish European, 0.028%; no homozygotes.

Submissions (2):

Ambry Genetics
Classification: Uncertain significance for Inborn genetic diseases. Last evaluated: 2025-05-19. Review status: criteria provided, single submitter. Criteria: Ambry Variant Classification Scheme 2023. Collection method: clinical testing. Allele origin: germline.

Labcorp Genetics (formerly Invitae), Labcorp
Classification: Uncertain significance for Short-rib thoracic dysplasia 8 with or without polydactyly. Last evaluated: 2022-07-01. Review status: criteria provided, single submitter. Criteria: Invitae Variant Classification Sherloc (09022015). Collection method: clinical testing. Allele origin: germline.
Comment: This sequence change replaces alanine, which is neutral and non-polar, with valine, which is neutral and non-polar, at codon 942 of the WDR60 protein (p.Ala942Val). This variant is present in population databases (rs371334329, gnomAD 0.01%). This variant has not been reported in the literature in individuals affected with WDR60-related conditions. ClinVar contains an entry for this variant (Variation ID: 1680727). Algorithms developed to predict the effect of missense changes on protein structure and function (SIFT, PolyPhen-2, Align-GVGD) all suggest that this variant is likely to be tolerated. In summary, the available evidence is currently insufficient to determine the role of this variant in disease. Therefore, it has been classified as a Variant of Uncertain Significance.